The following is an entry in ClinVar:

NM_007294.4(BRCA1):c.593+9_593+12del

Gene: BRCA1 (BRCA1 DNA repair associated; minus strand). Cytogenetic location: 17q21.31.
Variant type: Deletion.
Coding change: c.593+9_593+12del on transcript NM_007294.4 (MANE Select); bases 9 to 12 of the intron after coding-DNA position 593, 4 bases deleted (AAGA; older notation c.593+9_593+12delAAGA).
Molecular consequence: intron variant.
Genome position (GRCh38, 1-based): chr17:43,097,232-43,097,235, TCTT deleted on the plus strand (AAGA on the coding strand, the reverse complement: BRCA1 is on the minus strand); deleting any 4 consecutive bases within chr17:43,097,232-43,097,236 gives the same sequence; the c. name uses the placement nearest the transcript's 3' end. VCF-style (leftmost placement, unchanged base first): chr17-43097231-CTCTT-C. GRCh37 (hg19) VCF-style: chr17-41249248-CTCTT-C.
Other names: c.407-2375_407-2372del (NM_001407923.1, NM_001408498.1, NM_001407928.1 and 15 more transcripts); c.449+9_449+12del (NM_001407841.1, NM_001407742.1, NM_001408468.1 and 26 more transcripts); c.467-2375_467-2372del (NM_001407874.1, NM_001408475.1, NM_001407875.1); c.512+9_512+12del (NM_001408416.1, NM_001407659.1, NM_001407662.1 and 3 more transcripts); c.380+9_380+12del (NM_001407571.1, NM_001407896.1, NM_001408491.1 and 12 more transcripts); c.338-2375_338-2372del (NM_001407950.1, NM_001407948.1, NM_001407952.1 and 7 more transcripts); c.383+9_383+12del (NM_001408484.1, NM_001407900.1, NM_001408506.1 and 27 more transcripts); c.452+9_452+12del (NM_001407739.1, NM_001407725.1, NM_001407727.1 and 43 more transcripts); and 18 more.
Identifiers: ClinVar variation 531456 (VCV000531456.14), dbSNP rs753624573, ClinGen allele CA056504.

ClinVar aggregate classification (germline): Likely benign. Review status: criteria provided, multiple submitters, no conflicts (2 of 4 stars). 4 submissions from 4 submitters: Likely benign (4). Last evaluated 2025-05-13.

Conditions:
Hereditary breast ovarian cancer syndrome. Also called: Hereditary breast and ovarian cancer syndrome (HBOC); BRCA1- and BRCA2-Associated Hereditary Breast and Ovarian Cancer; Hereditary breast and ovarian cancer syndrome; Breast and ovarian cancer; Hereditary breast and ovarian cancer; Hereditary breast and/or ovarian cancer syndrome. Identifiers: Orphanet 145, MedGen C0677776, MeSH D061325, MONDO:0003582. Disease mechanism: loss of function.
Hereditary cancer-predisposing syndrome. Also called: Hereditary neoplastic syndrome; Neoplastic Syndromes, Hereditary; Tumor predisposition; Hereditary Cancer Syndrome. Identifiers: Orphanet 140162, MedGen C0027672, MeSH D009386, MONDO:0015356.

Submissions (4):

Labcorp Genetics (formerly Invitae), Labcorp
Classification: Likely benign for Hereditary breast ovarian cancer syndrome. Last evaluated: 2025-05-13. Review status: criteria provided, single submitter. Criteria: Invitae Variant Classification Sherloc (09022015). Collection method: clinical testing. Allele origin: germline.

Women's Health and Genetics/Laboratory Corporation of America, LabCorp
Classification: Likely benign. Last evaluated: 2024-12-18. Review status: criteria provided, single submitter. Criteria: LabCorp Variant Classification Summary - May 2015. Collection method: clinical testing. Allele origin: germline.
Comment: Variant summary: BRCA1 c.593+9_593+12delAAGA alters a nucleotide located at a position not widely known to affect splicing. Consensus agreement among computation tools predict no significant impact on normal splicing. However, these predictions have yet to be confirmed by functional studies. The variant allele was found at a frequency of 1.6e-05 in 251250 control chromosomes. The available data on variant occurrences in the general population are insufficient to allow any conclusion about variant significance. To our knowledge, no occurrence of c.593+9_593+12delAAGA in individuals affected with Hereditary Breast And Ovarian Cancer Syndrome and no experimental evidence demonstrating its impact on protein function have been reported. ClinVar contains an entry for this variant (Variation ID: 531456). Based on the evidence outlined above, the variant was classified as likely benign.

Quest Diagnostics Nichols Institute San Juan Capistrano
Classification: Likely benign. Last evaluated: 2022-11-23. Review status: criteria provided, single submitter. Criteria: Quest Diagnostics criteria. Collection method: clinical testing. Allele origin: unknown.

Color Diagnostics, LLC DBA Color Health
Classification: Likely benign for Hereditary cancer-predisposing syndrome. Last evaluated: 2019-02-26. Review status: criteria provided, single submitter. Criteria: ACMG Guidelines, 2015. Collection method: clinical testing. Allele origin: germline.